The following is an entry in ClinVar:

NM_182476.3(COQ6):c.1210+13A>G

Genes: COQ6 (coenzyme Q6, monooxygenase; plus strand), ENTPD5 (ectonucleoside triphosphate diphosphohydrolase 5; minus strand). Cytogenetic location: 14q24.3.
Variant type: single nucleotide variant.
Coding change: c.1210+13A>G on transcript NM_182476.3 (MANE Select); 13 bases into the intron after coding-DNA position 1210, A replaced by G.
Molecular consequence: intron variant.
Genome position (GRCh38, 1-based): chr14:73,961,583, A>G. VCF-style: chr14-73961583-A-G. GRCh37 (hg19) VCF-style: chr14-74428286-A-G.
Other names: c.1027+13A>G (NM_001425258.1); c.985+13A>G (NM_001425259.1, NM_001425261.1, NM_001425260.1); c.1135+13A>G (NM_182480.3); c.883+13A>G (NM_001425263.1); c.1210+13A>G (NM_001425255.1); c.1102+13A>G (NM_001425256.1); c.670+13A>G (NM_001425265.1, NM_001425264.1); c.955+13A>G (NM_001425262.1); and 5 more.
Identifiers: ClinVar variation 136982 (VCV000136982.55), dbSNP rs7141392, ClinGen allele CA290437.

ClinVar aggregate classification (germline): Benign. Review status: criteria provided, multiple submitters, no conflicts (2 of 4 stars). 6 submissions from 6 submitters: Benign (6). Last evaluated 2026-02-04.

Conditions:
Familial steroid-resistant nephrotic syndrome with sensorineural deafness. Identifiers: Orphanet 280406, MedGen C3553349, MONDO:0013836, OMIM 614650.

Allele frequency attached by ClinVar (database versions not stated): TOPMed 0.84220; 1000 Genomes Project 30x 0.85462; gnomAD 0.84418; ESP Exome Variant Server 0.83415.
gnomAD v4.1: 1,416,927 of 1,613,424 alleles (88%); highest among the groups gnomAD compares: East Asian, 95%; 623,256 homozygotes.

Submissions (7):

Labcorp Genetics (formerly Invitae), Labcorp
Classification: Benign. Last evaluated: 2026-02-04. Review status: criteria provided, single submitter. Criteria: Invitae Variant Classification Sherloc (09022015). Collection method: clinical testing. Allele origin: germline.

Blueprint Genetics
Classification: Benign. Last evaluated: 2024-11-27. Review status: criteria provided, single submitter. Criteria: ACMG Guidelines, 2015. Collection method: clinical testing. Allele origin: germline.

Unidad de Genómica Garrahan, Hospital de Pediatría Garrahan
Classification: Benign. Last evaluated: 2024-07-15. Review status: criteria provided, single submitter. Criteria: ACMG Guidelines, 2015. Collection method: clinical testing. Allele origin: germline. Affected: no. Observed: 89 variant alleles.
Comment: This variant is classified as Benign based on local population frequency. This variant was detected in 96% of patients studied in a panel designed for Epileptic and Developmental Encephalopathy and Progressive Myoclonus Epilepsy. Number of patients: 89. Only high quality variants are reported.

Genome-Nilou Lab
Classification: Benign for Familial steroid-resistant nephrotic syndrome with sensorineural deafness. Last evaluated: 2021-07-30. Review status: criteria provided, single submitter. Criteria: ACMG Guidelines, 2015. Collection method: clinical testing. Allele origin: germline. Affected: no.

GeneDx
Classification: Benign. Last evaluated: 2013-09-05. Review status: criteria provided, single submitter. Criteria: GeneDx Variant Classification (06012015). Collection method: clinical testing. Allele origin: germline. Affected: yes.
Comment: This variant is considered likely benign or benign based on one or more of the following criteria: it is a conservative change, it occurs at a poorly conserved position in the protein, it is predicted to be benign by multiple in silico algorithms, and/or has population frequency not consistent with disease.

Breakthrough Genomics
Classification: Benign. Review status: criteria provided, single submitter. Criteria: ACMG Guidelines, 2015. Collection method: not provided. Allele origin: germline. Inheritance: Autosomal recessive inheritance. Affected: yes.

Dr. Peter K. Rogan Lab, Western University
No classification provided (evidence only). Condition: Hepatocellular carcinoma. Review status: no classification provided. Collection method: in vitro. Allele origin: not applicable. Functional consequence: retained intron. Not counted in ClinVar's aggregate classification.